The following is an entry in ClinVar:

NM_176822.4(NLRP14):c.1282_1283del (p.Cys428fs)

Gene: NLRP14 (NLR family pyrin domain containing 14; plus strand). Cytogenetic location: 11p15.4.
Variant type: Microsatellite.
Coding change: c.1282_1283del on transcript NM_176822.4 (MANE Select); coding-DNA positions 1282 to 1283, 2 bases deleted (TG; older notation c.1282_1283delTG).
Protein change: p.Cys428fs; shifts the reading frame from cysteine 428.
Molecular consequence: frameshift variant.
Genome position (GRCh38, 1-based): chr11:7,043,308-7,043,309, TG deleted; deleting any 2 consecutive bases within chr11:7,043,306-7,043,309 gives the same sequence; the c. name uses the placement nearest the transcript's 3' end. VCF-style (leftmost placement, unchanged base first): chr11-7043305-CTG-C. GRCh37 (hg19) VCF-style: chr11-7064536-CTG-C.
Other names: c.1281_1282del2 (NM_176822.3); short protein forms C428fs.
Identifiers: ClinVar variation 103341 (VCV000103341.2), dbSNP rs199476260, ClinGen allele CA230443.
Genomic context (GRCh38, chr11:7,043,305, plus strand): 5'-TTGTTCACACCAGTAGATGGAGGCTCTCCTAGTCTACCCAACCAAGCCCAGCTGAGAAGA[CTG>C]TGCCAAGTCGCTGCCAAAGGAATATGGACTATGACTTACGTGTTTTACAGAGAAAATCTC-3'

ClinVar aggregate classification (germline): not provided (0 of 4 stars; one submission).

Submission:

Human Evolutionary Genetics, Institut Pasteur
No classification provided. Review status: no classification provided. Collection method: not provided. Allele origin: germline.
ClinVar note: Converted during submission from untested to not provided.